The following continues an entry in ClinVar:

NM_000059.4(BRCA2):c.6325G>A (p.Val2109Ile)

Gene: BRCA2. ClinVar aggregate classification (germline): Conflicting classifications of pathogenicity. Uncertain significance (2); Benign (2); Likely benign (11).

Submissions 20 to 22 of 22:

Breast Cancer Information Core (BIC) (BRCA2)
Classification: Uncertain significance for Breast-ovarian cancer, familial 2. Last evaluated: 2002-05-29. Review status: no assertion criteria provided. Collection method: clinical testing. Allele origin: germline. Affected: yes. Observed: 8 variant alleles. Not counted in ClinVar's aggregate classification.

Center for Precision Medicine, Meizhou People's Hospital
Classification: Likely benign for Familial cancer of breast. Review status: no assertion criteria provided. Collection method: literature only. Allele origin: germline. Affected: yes. Not counted in ClinVar's aggregate classification.

Department of Pathology and Laboratory Medicine, Sinai Health System
Classification: Benign for Malignant tumor of breast. Review status: no assertion criteria provided. Collection method: clinical testing. Allele origin: unknown. Affected: yes. Study: The Canadian Open Genetics Repository (COGR). Not counted in ClinVar's aggregate classification.
Comment: The BRCA2 p.Val2109Ile variant was identified in 7 of 1460 proband chromosomes from Asian individuals with breast or ovarian cancer, and was absent in 520 control chromosomes from healthy individuals (Choi 2004, Haffty 2009, Hu 2004, Kawahara 2004, Sekine 2001, Sugano 2008). The variant was also identified in HGMD, UMD (1X as an unclassified variant), and the BIC database (8X with unknown clinical importance). The variant is listed in dbSNP (ID: rs79456940) â€šÃ„ÃºWith unknown alleleâ€šÃ„Ã¹, with a minor allele frequency of 0.0005 from the 1000 Genomes project, though this frequency is based on only one occurrence of the variant in the tested cohort. The p.Val2109 residue is not conserved in mammals and lower organisms, and the variant amino acid isoleucine (Ile) is present in dog, increasing the likelihood that this variant does not have clinical significance. Computational analyses (PolyPhen-2, SIFT, AlignGVGD, BLOSUM) do not suggest a high likelihood of impact to the protein, and Myriad classifies this as a polymorphism (personal communication). In summary, based on the above information, this variant meets our laboratory's criteria to be classified as benign.

Literature cited by the submitters: PubMed 22995991 (cited by Women's Health and Genetics/Laboratory Corporation of America, LabCorp and Counsyl); PubMed 14647438 (cited by Women's Health and Genetics/Laboratory Corporation of America, LabCorp and Counsyl); PubMed 19491284 (cited by 3 submitters); PubMed 25682074 (cited by Women's Health and Genetics/Laboratory Corporation of America, LabCorp and Counsyl); PubMed 15117986 (cited by Women's Health and Genetics/Laboratory Corporation of America, LabCorp and Counsyl); PubMed 27658390 (cited by Women's Health and Genetics/Laboratory Corporation of America, LabCorp); PubMed 27701467 (cited by Women's Health and Genetics/Laboratory Corporation of America, LabCorp); PubMed 14973102 (cited by Women's Health and Genetics/Laboratory Corporation of America, LabCorp and Counsyl); PubMed 19016756 (cited by Women's Health and Genetics/Laboratory Corporation of America, LabCorp and Counsyl); PubMed 15168169 (cited by Women's Health and Genetics/Laboratory Corporation of America, LabCorp and Counsyl); PubMed 27257965 (cited by Laboratory of Molecular Diagnosis of Cancer, West China Hospital, Sichuan University); PubMed 11595708 (cited by Counsyl and Center for Precision Medicine, Meizhou People's Hospital); PubMed 18779604 (cited by Counsyl); PubMed 27124784 (cited by Counsyl); PubMed 25802882 (cited by Counsyl); PubMed 26709275 (cited by Counsyl and Center for Precision Medicine, Meizhou People's Hospital); PubMed 27907908 (cited by Center for Precision Medicine, Meizhou People's Hospital).